The following is an entry in ClinVar:

ClinVar aggregate classification (germline): Uncertain significance. Review status: criteria provided, multiple submitters, no conflicts (2 of 4 stars). 2 submissions from 2 submitters: Uncertain significance (2). Last evaluated 2025-12-15.

Conditions:
Inborn genetic diseases. Identifiers: MedGen C0950123, MeSH D030342.

Allele frequency attached by ClinVar (database versions not stated): gnomAD exomes 0.00001; ExAC 0.00002; TOPMed 0.00002.
gnomAD v4.1: 6 of 1,604,356 alleles (0.00037%); highest among the groups gnomAD compares: Non-Finnish European, 0.00051%; no homozygotes.

Submissions (2):

Ambry Genetics
Classification: Uncertain significance for Inborn genetic diseases. Last evaluated: 2025-12-15. Review status: criteria provided, single submitter. Criteria: Ambry Variant Classification Scheme 2023. Collection method: clinical testing. Allele origin: germline.

CeGaT Center for Human Genetics Tuebingen
Classification: Uncertain significance. Last evaluated: 2023-03-01. Review status: criteria provided, single submitter. Criteria: CeGaT Center For Human Genetics Tuebingen Variant Classification Criteria Version 2. Collection method: clinical testing. Allele origin: germline. Affected: yes. Observed: 1 variant allele.
Comment: PSMD12: PM2:Supporting

NM_002816.5(PSMD12):c.898C>T (p.Pro300Ser)

Gene: PSMD12 (proteasome 26S subunit, non-ATPase 12; minus strand). Cytogenetic location: 17q24.2.
Variant type: single nucleotide variant.
Coding change: c.898C>T on transcript NM_002816.5 (MANE Select); coding-DNA position 898, C replaced by T.
Protein change: p.Pro300Ser; replaces proline 300 with serine.
Molecular consequence: missense variant.
Genome position (GRCh38, 1-based): chr17:67,345,755, G>A on the plus strand (C>T on the coding strand, the complement: PSMD12 is on the minus strand). VCF-style: chr17-67345755-G-A. GRCh37 (hg19) VCF-style: chr17-65341871-G-A.
Other names: c.721C>T, p.Pro241Ser (NM_001316341.2); c.838C>T, p.Pro280Ser (NM_174871.4); c.898C>T (NM_002816.3); short protein forms P241S, P280S, P300S.
Identifiers: ClinVar variation 2648118 (VCV002648118.24), dbSNP rs761725668, ClinGen allele CA8723662.